The following is an entry in ClinVar:

ClinVar aggregate classification (germline): Uncertain significance (1 of 4 stars; one submission).

Conditions:
Alzheimer disease 3 (AD3). Also called: ALZHEIMER DISEASE, FAMILIAL, 3. Identifiers: Orphanet 1020, MedGen C1843013, MONDO:0011913, OMIM 607822.
Pick disease. Also called: Pick's disease; PICK DISEASE OF BRAIN; DEMENTIA WITH LOBAR ATROPHY AND NEURONAL CYTOPLASMIC INCLUSIONS; Pick Disease of the Brain; LOBAR ATROPHY OF BRAIN. Identifiers: Orphanet 282, MedGen C0236642, MONDO:0008243, OMIM 172700.
Acne inversa, familial, 3 (ACNINV3). Identifiers: MedGen C3151038, MONDO:0013398, OMIM 613737.
Frontotemporal dementia (FTD1). Also called: Frontotemporal lobe dementia (FLDEM); FRONTOTEMPORAL LOBAR DEGENERATION WITH TAU INCLUSIONS; FTLD WITH TAU INCLUSIONS; WILHELMSEN-LYNCH DISEASE; Frontotemporal Dementia with Parkinsonism-17 (FTDP-17); FRONTOTEMPORAL DEMENTIA WITH PARKINSONISM. Identifiers: Orphanet 282, MedGen C0338451, MONDO:0017276, OMIM 600274, HP:0002145.

Allele frequency attached by ClinVar (database versions not stated): gnomAD 0.00001; TOPMed 0.00001; gnomAD exomes 0.00002; ExAC 0.00003; 1000 Genomes Project 30x 0.00016; 1000 Genomes Project 0.00020.
gnomAD v4.1: 24 of 1,609,840 alleles (0.0015%); highest among the groups gnomAD compares: East Asian, 0.018%; no homozygotes.

Submission:

Labcorp Genetics (formerly Invitae), Labcorp
Classification: Uncertain significance for Alzheimer disease 3; Pick disease; Acne inversa, familial, 3; Frontotemporal dementia. Last evaluated: 2021-12-22. Review status: criteria provided, single submitter. Criteria: Invitae Variant Classification Sherloc (09022015). Collection method: clinical testing. Allele origin: germline.
Comment: This sequence change replaces threonine, which is neutral and polar, with methionine, which is neutral and non-polar, at codon 281 of the PSEN1 protein (p.Thr281Met). This variant is present in population databases (rs114378630, gnomAD 0.01%). This variant has not been reported in the literature in individuals affected with PSEN1-related conditions. Advanced modeling of protein sequence and biophysical properties (such as structural, functional, and spatial information, amino acid conservation, physicochemical variation, residue mobility, and thermodynamic stability) performed at Invitae indicates that this missense variant is expected to disrupt PSEN1 protein function. In summary, the available evidence is currently insufficient to determine the role of this variant in disease. Therefore, it has been classified as a Variant of Uncertain Significance.

NM_000021.4(PSEN1):c.842C>T (p.Thr281Met)

Gene: PSEN1 (presenilin 1; plus strand). Cytogenetic location: 14q24.2.
Variant type: single nucleotide variant.
Coding change: c.842C>T on transcript NM_000021.4 (MANE Select); coding-DNA position 842, C replaced by T.
Protein change: p.Thr281Met; replaces threonine 281 with methionine.
Molecular consequence: missense variant.
Genome position (GRCh38, 1-based): chr14:73,198,103, C>T. VCF-style: chr14-73198103-C-T. GRCh37 (hg19) VCF-style: chr14-73664811-C-T.
Other names: c.830C>T, p.Thr277Met (NM_007318.3); short protein forms T277M, T281M.
Identifiers: ClinVar variation 2199958 (VCV002199958.4), dbSNP rs114378630, ClinGen allele CA7256832.